The following is an entry in ClinVar:

NM_000747.3(CHRNB1):c.327G>C (p.Trp109Cys)

Gene: CHRNB1 (cholinergic receptor nicotinic beta 1 subunit; plus strand). Cytogenetic location: 17p13.1.
Variant type: single nucleotide variant.
Coding change: c.327G>C on transcript NM_000747.3 (MANE Select); coding-DNA position 327, G replaced by C.
Protein change: p.Trp109Cys; replaces tryptophan 109 with cysteine.
Molecular consequence: missense variant.
Genome position (GRCh38, 1-based): chr17:7,446,916, G>C. VCF-style: chr17-7446916-G-C. GRCh37 (hg19) VCF-style: chr17-7350235-G-C.
Other names: short protein forms W109C.
Identifiers: ClinVar variation 2915673 (VCV002915673.3), dbSNP rs774997603, ClinGen allele CA287423924.

ClinVar aggregate classification (germline): Uncertain significance (1 of 4 stars; one submission).

Conditions:
Congenital myasthenic syndrome 2A. Also called: Myasthenic syndrome, congenital, 2a, slow-channel. Identifiers: Orphanet 590, MedGen C4225374, MONDO:0014581, OMIM 616313.

Allele frequency attached by ClinVar (database versions not stated): gnomAD 0.00001; TOPMed 0.00006.
gnomAD v4.1: 6 of 1,613,874 alleles (0.00037%); highest among the groups gnomAD compares: Admixed American, 0.01%; no homozygotes.

Submission:

Labcorp Genetics (formerly Invitae), Labcorp
Classification: Uncertain significance for Congenital myasthenic syndrome 2A. Last evaluated: 2025-11-17. Review status: criteria provided, single submitter. Criteria: Invitae Variant Classification Sherloc (09022015). Collection method: clinical testing. Allele origin: germline.
Comment: This sequence change replaces tryptophan, which is neutral and slightly polar, with cysteine, which is neutral and slightly polar, at codon 109 of the CHRNB1 protein (p.Trp109Cys). This variant is present in population databases (no rsID available, gnomAD 0.009%). This variant has not been reported in the literature in individuals affected with CHRNB1-related conditions. ClinVar contains an entry for this variant (Variation ID: 2915673). Invitae Evidence Modeling of protein sequence and biophysical properties (such as structural, functional, and spatial information, amino acid conservation, physicochemical variation, residue mobility, and thermodynamic stability) indicates that this missense variant is expected to disrupt CHRNB1 protein function with a positive predictive value of 80%. In summary, the available evidence is currently insufficient to determine the role of this variant in disease. Therefore, it has been classified as a Variant of Uncertain Significance.